The following is an entry in ClinVar:

ClinVar aggregate classification (germline): Uncertain significance (1 of 4 stars; one submission).

gnomAD v4.1: 8 of 1,613,802 alleles (0.0005%); highest among the groups gnomAD compares: Admixed American, 0.013%; no homozygotes.

Submission:

GeneDx
Classification: Uncertain significance. Last evaluated: 2025-05-16. Review status: criteria provided, single submitter. Criteria: GeneDx Variant Classification Process June 2021. Collection method: clinical testing. Allele origin: germline. Affected: yes.
Comment: Not observed at significant frequency in large population cohorts (gnomAD); In silico analysis supports that this missense variant has a deleterious effect on protein structure/function; Has not been previously published as pathogenic or benign to our knowledge

NM_005402.4(RALA):c.440A>T (p.Glu147Val)

Gene: RALA (RAS like proto-oncogene A; plus strand). Cytogenetic location: 7p14.1.
Variant type: single nucleotide variant.
Coding change: c.440A>T on transcript NM_005402.4 (MANE Select); coding-DNA position 440, A replaced by T.
Protein change: p.Glu147Val; replaces glutamic acid 147 with valine.
Molecular consequence: missense variant.
Genome position (GRCh38, 1-based): chr7:39,696,801, A>T. VCF-style: chr7-39696801-A-T. GRCh37 (hg19) VCF-style: chr7-39736400-A-T.
Other names: short protein forms E147V.
Identifiers: ClinVar variation 4529635 (VCV004529635.1).